The following is an entry in ClinVar:

ClinVar aggregate classification (germline): Conflicting classifications of pathogenicity. Review status: criteria provided, conflicting classifications (1 of 4 stars). 3 submissions from 3 submitters: Uncertain significance (1); Likely benign (2). Last evaluated 2025-12-08.

Conditions:
Hereditary cancer-predisposing syndrome. Also called: Neoplastic Syndromes, Hereditary; Hereditary Cancer Syndrome; Tumor predisposition; Hereditary neoplastic syndrome. Identifiers: Orphanet 140162, MedGen C0027672, MeSH D009386, MONDO:0015356.
Cardiovascular phenotype. Identifiers: MedGen CN230736.

Allele frequency attached by ClinVar (database versions not stated): TOPMed 0.00001; ESP Exome Variant Server 0.00008.
gnomAD v4.1: 1 of 1,599,494 alleles (0.000063%); highest among the groups gnomAD compares: East Asian, 0.0022%; no homozygotes.

Submissions (3):

Labcorp Genetics (formerly Invitae), Labcorp
Classification: Likely benign. Last evaluated: 2025-12-08. Review status: criteria provided, single submitter. Criteria: Invitae Variant Classification Sherloc (09022015). Collection method: clinical testing. Allele origin: germline.

Ambry Genetics
Classification: Uncertain significance for Cardiovascular phenotype; Hereditary cancer-predisposing syndrome. Last evaluated: 2023-01-20. Review status: criteria provided, single submitter. Criteria: Ambry Variant Classification Scheme 2023. Collection method: clinical testing. Allele origin: germline.
Comment: The c.1587C>T variant (also known as p.Y529Y), located in coding exon 14 of the LZTR1 gene, results from a C to T substitution at nucleotide position 1587. This nucleotide substitution does not change the at codon 529. This nucleotide position is highly conserved in available vertebrate species. In silico splice site analysis for this alteration is inconclusive; however, direct evidence is insufficient at this time (Ambry internal data). Since supporting evidence is limited at this time, the clinical significance of this alteration remains unclear.

Blueprint Genetics
Classification: Likely benign. Last evaluated: 2022-08-02. Review status: criteria provided, single submitter. Criteria: ACMG Guidelines, 2015. Collection method: clinical testing. Allele origin: germline.

NM_006767.4(LZTR1):c.1587C>T (p.Tyr529=)

Gene: LZTR1 (leucine zipper like post translational regulator 1; plus strand). Cytogenetic location: 22q11.21.
Variant type: single nucleotide variant.
Coding change: c.1587C>T on transcript NM_006767.4 (MANE Select); coding-DNA position 1587, C replaced by T.
Protein change: p.Tyr529=; no amino-acid change (tyrosine 529 retained).
Molecular consequence: synonymous variant.
Genome position (GRCh38, 1-based): chr22:20,994,241, C>T. VCF-style: chr22-20994241-C-T. GRCh37 (hg19) VCF-style: chr22-21348530-C-T.
Other names: c.1587C>T (NM_006767.3).
Identifiers: ClinVar variation 1542166 (VCV001542166.10), dbSNP rs371015800, ClinGen allele CA322269235.